The following is an entry in ClinVar:

ClinVar aggregate classification (germline): Uncertain significance (1 of 4 stars; one submission).

gnomAD v4.1: 1 of 1,212,006 alleles (0.000083%); highest among the groups gnomAD compares: Non-Finnish European, 0.00011%; no homozygotes.

Submission:

GeneDx
Classification: Uncertain significance. Last evaluated: 2022-02-02. Review status: criteria provided, single submitter. Criteria: GeneDx Variant Classification Process June 2021. Collection method: clinical testing. Allele origin: germline. Affected: yes.
Comment: Not observed at significant frequency in large population cohorts (gnomAD); In silico analysis supports that this missense variant has a deleterious effect on protein structure/function; Has not been previously published as pathogenic or benign to our knowledge

NM_001123385.2(BCOR):c.2851G>C (p.Asp951His)

Gene: BCOR (BCL6 corepressor; minus strand). Cytogenetic location: Xp11.4.
Variant type: single nucleotide variant.
Coding change: c.2851G>C on transcript NM_001123385.2 (MANE Select); coding-DNA position 2851, G replaced by C.
Protein change: p.Asp951His; replaces aspartic acid 951 with histidine.
Molecular consequence: missense variant.
Genome position (GRCh38, 1-based): chrX:40,072,495, C>G on the plus strand (G>C on the coding strand, the complement: BCOR is on the minus strand). VCF-style: chrX-40072495-C-G. GRCh37 (hg19) VCF-style: chrX-39931748-C-G.
Other names: c.2851G>C, p.Asp951His (NM_001123383.2, NM_001123384.2, NM_017745.6); short protein forms D951H.
Identifiers: ClinVar variation 1700261 (VCV001700261.2), dbSNP rs1935525202, ClinGen allele CA412741610.